The following is an entry in ClinVar:

ClinVar aggregate classification (germline): Likely pathogenic (1 of 4 stars; one submission).

Conditions:
Walker-Warburg congenital muscular dystrophy. Also called: Muscular dystrophy-dystroglycanopathy, type A; Walker-Warburg syndrome. Identifiers: Orphanet 899, MedGen C0265221, MONDO:0000171.

Submission:

Labcorp Genetics (formerly Invitae), Labcorp
Classification: Likely pathogenic for Walker-Warburg congenital muscular dystrophy. Last evaluated: 2023-11-20. Review status: criteria provided, single submitter. Criteria: Invitae Variant Classification Sherloc (09022015). Collection method: clinical testing. Allele origin: unknown.
Comment: This variant results in a copy number gain of the genomic region encompassing exon(s) 4-10 of the FKTN gene. While the exact position of this variant cannot be determined from the data, sub-genic copy number gains are generally in tandem (PMID: 25640679). This variant is predicted to be out-of-frame, and may result in an absent or disrupted protein product. Loss-of-function variants in FKTN are known to be pathogenic (PMID: 17044012, 17878207, 18752264). This variant has not been reported in the literature in individuals affected with FKTN-related conditions. In summary, the currently available evidence indicates that the variant is pathogenic, but additional data are needed to prove that conclusively. Therefore, this variant has been classified as Likely Pathogenic.

Literature cited by the submitters: PubMed 25640679; PubMed 17044012; PubMed 17878207; PubMed 18752264.

NC_000009.11:g.(?_108358859)_(108382362_?)dup

Gene: FKTN (fukutin; plus strand). Cytogenetic location: 9q31.2.
Variant type: Duplication.
Identifiers: ClinVar variation 3245101 (VCV003245101.1).